The following is an entry in ClinVar:

NM_003737.4(DCHS1):c.1460T>C (p.Leu487Pro)

Gene: DCHS1 (dachsous cadherin-related 1; minus strand). Cytogenetic location: 11p15.4.
Variant type: single nucleotide variant.
Coding change: c.1460T>C on transcript NM_003737.4 (MANE Select); coding-DNA position 1460, T replaced by C.
Protein change: p.Leu487Pro; replaces leucine 487 with proline.
Molecular consequence: missense variant.
Genome position (GRCh38, 1-based): chr11:6,640,154, A>G on the plus strand (T>C on the coding strand, the complement: DCHS1 is on the minus strand). VCF-style: chr11-6640154-A-G. GRCh37 (hg19) VCF-style: chr11-6661385-A-G.
Other names: short protein forms L487P.
Identifiers: ClinVar variation 1510086 (VCV001510086.6), dbSNP rs755453057, ClinGen allele CA5860963.

ClinVar aggregate classification (germline): Uncertain significance (1 of 4 stars; one submission).

Allele frequency attached by ClinVar (database versions not stated): gnomAD exomes below 0.00001; TOPMed below 0.00001; ExAC 0.00001.

Submission:

Labcorp Genetics (formerly Invitae), Labcorp
Classification: Uncertain significance. Last evaluated: 2023-10-24. Review status: criteria provided, single submitter. Criteria: Invitae Variant Classification Sherloc (09022015). Collection method: clinical testing. Allele origin: germline.
Comment: This sequence change replaces leucine, which is neutral and non-polar, with proline, which is neutral and non-polar, at codon 487 of the DCHS1 protein (p.Leu487Pro). This variant is present in population databases (rs755453057, gnomAD 0.0009%). This variant has not been reported in the literature in individuals affected with DCHS1-related conditions. ClinVar contains an entry for this variant (Variation ID: 1510086). Advanced modeling of protein sequence and biophysical properties (such as structural, functional, and spatial information, amino acid conservation, physicochemical variation, residue mobility, and thermodynamic stability) performed at Invitae indicates that this missense variant is not expected to disrupt DCHS1 protein function with a negative predictive value of 95%. In summary, the available evidence is currently insufficient to determine the role of this variant in disease. Therefore, it has been classified as a Variant of Uncertain Significance.